The following is an entry in ClinVar:

NM_080669.6(SLC46A1):c.340C>T (p.Arg114Cys)

Gene: SLC46A1 (solute carrier family 46 member 1; minus strand). Cytogenetic location: 17q11.2.
Variant type: single nucleotide variant.
Coding change: c.340C>T on transcript NM_080669.6 (MANE Select); coding-DNA position 340, C replaced by T.
Protein change: p.Arg114Cys; replaces arginine 114 with cysteine.
Molecular consequence: missense variant.
Genome position (GRCh38, 1-based): chr17:28,405,357, G>A on the plus strand (C>T on the coding strand, the complement: SLC46A1 is on the minus strand). VCF-style: chr17-28405357-G-A. GRCh37 (hg19) VCF-style: chr17-26732375-G-A.
Other names: c.340C>T, p.Arg114Cys (NM_001242366.3); short protein forms R114C.
Identifiers: ClinVar variation 2173040 (VCV002173040.3), dbSNP rs551213215, ClinGen allele CA8458347.

ClinVar aggregate classification (germline): Conflicting classifications of pathogenicity. Review status: criteria provided, conflicting classifications (1 of 4 stars). 2 submissions from 2 submitters: Likely pathogenic (1); Uncertain significance (1). Last evaluated 2024-01-02.

Conditions:
Congenital defect of folate absorption. Also called: Hereditary Folate Malabsorption. Identifiers: Orphanet 90045, MedGen C0342705, MONDO:0009238, OMIM 229050.

Allele frequency attached by ClinVar (database versions not stated): TOPMed 0.00002; gnomAD exomes 0.00003; gnomAD 0.00006; ExAC 0.00018; 1000 Genomes Project 30x 0.00031; 1000 Genomes Project 0.00040.

Submissions (2):

Labcorp Genetics (formerly Invitae), Labcorp
Classification: Uncertain significance. Last evaluated: 2024-01-02. Review status: criteria provided, single submitter. Criteria: Invitae Variant Classification Sherloc (09022015). Collection method: clinical testing. Allele origin: germline.
Comment: This sequence change replaces arginine, which is basic and polar, with cysteine, which is neutral and slightly polar, at codon 114 of the SLC46A1 protein (p.Arg114Cys). This variant is present in population databases (rs551213215, gnomAD 0.02%). This missense change has been observed in individual(s) with hereditary folate malabsorption (PMID: 20005757). ClinVar contains an entry for this variant (Variation ID: 2173040). Advanced modeling of protein sequence and biophysical properties (such as structural, functional, and spatial information, amino acid conservation, physicochemical variation, residue mobility, and thermodynamic stability) performed at Invitae indicates that this missense variant is expected to disrupt SLC46A1 protein function with a positive predictive value of 80%. In summary, the available evidence is currently insufficient to determine the role of this variant in disease. Therefore, it has been classified as a Variant of Uncertain Significance.

Department of Pathology and Laboratory Medicine, Sinai Health System
Classification: Likely pathogenic for Congenital defect of folate absorption. Last evaluated: 2022-09-21. Review status: criteria provided, single submitter. Criteria: ACMG Guidelines, 2015. Collection method: research. Allele origin: germline.

Literature cited by the submitters: PubMed 20005757 (cited by Labcorp Genetics (formerly Invitae), Labcorp).